The following is an entry in ClinVar:

ClinVar aggregate classification (germline): Pathogenic (1 of 4 stars; one submission).

Conditions:
Inborn genetic diseases. Identifiers: MedGen C0950123, MeSH D030342.

Submission:

Ambry Genetics
Classification: Pathogenic for Inborn genetic diseases. Last evaluated: 2016-10-26. Review status: criteria provided, single submitter. Criteria: Ambry Variant Classification Scheme 2023. Collection method: clinical testing. Allele origin: germline.
Comment: The c.3839_3840delTT pathogenic mutation, located in coding exon 15 of the CHD7 gene, results from a deletion of two nucleotides at nucleotide positions 3839 to 3840, causing a translational frameshift with a predicted alternate stop codon (p.F1280Sfs*16). This alteration is expected to result in loss of function by premature protein truncation or nonsense-mediated mRNA decay. As such, this alteration is interpreted as a disease-causing mutation.

NM_017780.4(CHD7):c.3839_3840del (p.Phe1280fs)

Gene: CHD7 (chromodomain helicase DNA binding protein 7; plus strand). Cytogenetic location: 8q12.2.
Variant type: Deletion.
Coding change: c.3839_3840del on transcript NM_017780.4 (MANE Select); coding-DNA positions 3839 to 3840, 2 bases deleted (TT; older notation c.3839_3840delTT).
Protein change: p.Phe1280fs; shifts the reading frame from phenylalanine 1280.
Molecular consequence: frameshift variant. On other transcripts: intron variant (1).
Genome position (GRCh38, 1-based): chr8:60,836,133-60,836,134, TT deleted; deleting any 2 consecutive bases within chr8:60,836,131-60,836,134 gives the same sequence; the c. name uses the placement nearest the transcript's 3' end. VCF-style (leftmost placement, unchanged base first): chr8-60836130-ATT-A. GRCh37 (hg19) VCF-style: chr8-61748689-ATT-A.
Other names: c.1717-26096_1717-26095del (NM_001316690.1); short protein forms F1280fs.
Identifiers: ClinVar variation 1735400 (VCV001735400.2), dbSNP rs2487895449, ClinGen allele CA2580078457.